The following is an entry in ClinVar:

ClinVar aggregate classification (germline): Conflicting classifications of pathogenicity. Review status: criteria provided, conflicting classifications (1 of 4 stars). 2 submissions from 2 submitters: Uncertain significance (1); Likely benign (1). Last evaluated 2025-12-23.

Conditions:
ARID1A-related disorder. Also called: ARID1A-related condition.

gnomAD v4.1: 7 of 1,613,994 alleles (0.00043%); highest among the groups gnomAD compares: Admixed American, 0.012%; no homozygotes.

Submissions (2):

Labcorp Genetics (formerly Invitae), Labcorp
Classification: Likely benign. Last evaluated: 2025-12-23. Review status: criteria provided, single submitter. Criteria: Invitae Variant Classification Sherloc (09022015). Collection method: clinical testing. Allele origin: germline.

PreventionGenetics, part of Exact Sciences
Classification: Uncertain significance for ARID1A-related condition. Last evaluated: 2022-10-17. Review status: criteria provided, single submitter. Criteria: ACMG Guidelines, 2015. Collection method: clinical testing. Allele origin: germline.
Comment: The ARID1A c.2109C>A variant is not predicted to result in an amino acid change (p.=). This variant is predicted to create a cryptic splice acceptor site (Alamut Visual v2.11). To our knowledge, this variant has not been reported in the literature. This variant is reported in 0.0029% of alleles in individuals of Latino descent in gnomAD. At this time, the clinical significance of this variant is uncertain due to the absence of conclusive functional and genetic evidence.

NM_006015.6(ARID1A):c.2109C>A (p.Pro703=)

Gene: ARID1A (AT-rich interaction domain 1A; plus strand). Cytogenetic location: 1p36.11.
Variant type: single nucleotide variant.
Coding change: c.2109C>A on transcript NM_006015.6 (MANE Select); coding-DNA position 2109, C replaced by A.
Protein change: p.Pro703=; no amino-acid change (proline 703 retained).
Molecular consequence: synonymous variant.
Genome position (GRCh38, 1-based): chr1:26,761,044, C>A. VCF-style: chr1-26761044-C-A. GRCh37 (hg19) VCF-style: chr1-27087535-C-A.
Other names: c.2109C>A, p.Pro703= (NM_139135.4).
Identifiers: ClinVar variation 2628895 (VCV002628895.4), dbSNP rs200927747, ClinGen allele CA416778918.